The following is an entry in ClinVar:

ClinVar aggregate classification (germline): Likely benign. Review status: criteria provided, multiple submitters, no conflicts (2 of 4 stars). 9 submissions from 9 submitters: Likely benign (7). 2 of the submissions do not count toward it. Last evaluated 2025-10-29.

Conditions:
Cardiovascular phenotype. Identifiers: MedGen CN230736.
Familial hypobetalipoproteinemia 1. Also called: APOB-Related Familial Hypobetalipoproteinemia; Hypobetalipoproteinemia, normotriglyceridemic; Acanthocytosis with hypobetalipoproteinemia. Identifiers: MedGen C4551990, MONDO:0014252, OMIM 615558.
Hypercholesterolemia, autosomal dominant, type B (FHCL2). Also called: APOB-Related Familial Hypercholesterolemia, Autosomal Dominant; HYPERCHOLESTEROLEMIA, FAMILIAL, DUE TO LIGAND-DEFECTIVE APOLIPOPROTEIN B; Familial Hypercholesterolemia Type B; APOLIPOPROTEIN B-100, FAMILIAL DEFECTIVE; APOLIPOPROTEIN B-100, FAMILIAL LIGAND-DEFECTIVE; Hyperlipoproteinemia Type IIb. Identifiers: MedGen C1704417, MONDO:0007751, OMIM 144010.
Familial hypercholesterolemia. Also called: Familial hypercholesterolaemia; Familial hypercholesterolemias. Identifiers: MedGen C0020445, MONDO:0005439.

Allele frequency attached by ClinVar (database versions not stated): gnomAD 0.00007 and 0.00008; gnomAD exomes 0.00013 and 0.00017; TOPMed 0.00013; 1000 Genomes Project 30x 0.00016; ExAC 0.00018; 1000 Genomes Project 0.00020.
gnomAD v4.1: 203 of 1,614,100 alleles (0.013%); highest among the groups gnomAD compares: South Asian, 0.034%; 1 homozygote.

Submissions (9):

Labcorp Genetics (formerly Invitae), Labcorp
Classification: Likely benign for Familial hypobetalipoproteinemia 1; Hypercholesterolemia, autosomal dominant, type B. Last evaluated: 2025-10-29. Review status: criteria provided, single submitter. Criteria: Invitae Variant Classification Sherloc (09022015). Collection method: clinical testing. Allele origin: germline.

Molecular Diagnostic Laboratory for Inherited Cardiovascular Disease, Montreal Heart Institute
Classification: Likely benign. Last evaluated: 2025-04-09. Review status: criteria provided, single submitter. Criteria: ACMG Guidelines, 2015. Collection method: clinical testing. Allele origin: germline. Affected: no.
Comment: BP5;BP7

Quest Diagnostics Nichols Institute San Juan Capistrano
Classification: Likely benign. Last evaluated: 2025-01-24. Review status: criteria provided, single submitter. Criteria: Quest Diagnostics criteria. Collection method: clinical testing. Allele origin: unknown.

GENinCode PLC
Classification: Likely benign for Familial hypercholesterolemia. Last evaluated: 2025-01-09. Review status: criteria provided, single submitter. Criteria: ACMG Guidelines, 2015. Collection method: clinical testing. Allele origin: germline.
Comment: This is a synonymous (silent) variant that is not predicted to impact splicing and occurs at a nucleotide which is not highly conserved. This variant has been classified as Likely Benign (BP4, BP7).

CeGaT Center for Human Genetics Tuebingen
Classification: Likely benign. Last evaluated: 2024-05-01. Review status: criteria provided, single submitter. Criteria: CeGaT Center For Human Genetics Tuebingen Variant Classification Criteria Version 2. Collection method: clinical testing. Allele origin: germline. Affected: yes. Observed: 7 variant alleles.
Comment: APOB: BP4, BP7

Ambry Genetics
Classification: Likely benign for Cardiovascular phenotype. Last evaluated: 2021-04-08. Review status: criteria provided, single submitter. Criteria: Ambry Variant Classification Scheme 2023. Collection method: clinical testing. Allele origin: germline.

PreventionGenetics, part of Exact Sciences
Classification: Likely benign. Review status: criteria provided, single submitter. Criteria: ACMG Guidelines, 2015. Collection method: clinical testing. Allele origin: germline.

Clinical Genetics DNA and cytogenetics Diagnostics Lab, Erasmus MC, Erasmus Medical Center
Classification: Likely benign. Review status: no assertion criteria provided. Collection method: clinical testing. Allele origin: germline. Affected: yes. Study: VKGL Data-share Consensus. Not counted in ClinVar's aggregate classification.

Clinical Genetics, Academic Medical Center
Classification: Likely benign. Review status: no assertion criteria provided. Collection method: clinical testing. Allele origin: germline. Affected: yes. Study: VKGL Data-share Consensus. Not counted in ClinVar's aggregate classification.

NM_000384.3(APOB):c.7998A>G (p.Val2666=)

Gene: APOB (apolipoprotein B; minus strand). Cytogenetic location: 2p24.1.
Variant type: single nucleotide variant.
Coding change: c.7998A>G on transcript NM_000384.3 (MANE Select); coding-DNA position 7998, A replaced by G.
Protein change: p.Val2666=; no amino-acid change (valine 2666 retained).
Molecular consequence: synonymous variant.
Genome position (GRCh38, 1-based): chr2:21,008,870, T>C on the plus strand (A>G on the coding strand, the complement: APOB is on the minus strand). VCF-style: chr2-21008870-T-C. GRCh37 (hg19) VCF-style: chr2-21231742-T-C.
Identifiers: ClinVar variation 255989 (VCV000255989.61), dbSNP rs1042006, ClinGen allele CA065002.